The following is an entry in ClinVar:

ClinVar aggregate classification (germline): Uncertain significance (1 of 4 stars; one submission).

Submission:

Labcorp Genetics (formerly Invitae), Labcorp
Classification: Uncertain significance. Last evaluated: 2022-11-01. Review status: criteria provided, single submitter. Criteria: Invitae Variant Classification Sherloc (09022015). Collection method: clinical testing. Allele origin: germline.
Comment: In summary, the available evidence is currently insufficient to determine the role of this variant in disease. Therefore, it has been classified as a Variant of Uncertain Significance. This variant has not been reported in the literature in individuals affected with PALM-related conditions. This variant is a gross deletion of the genomic region encompassing exon(s) 1 of the PALM gene, which includes the initiator codon. This deletion extends beyond the assayed region for this gene and therefore may encompass additional genes. It is expected to result in an absent or disrupted protein product. However, the current clinical and genetic evidence is not sufficient to establish whether loss-of-function variants in PALM cause disease.

NC_000019.9:g.(?_709147)_(709171_?)del

Gene: PALM (paralemmin; plus strand). Cytogenetic location: 19p13.3.
Variant type: Deletion.
Identifiers: ClinVar variation 2424485 (VCV002424485.4).